The following is an entry in ClinVar:

NM_198253.3(TERT):c.2815A>C (p.Thr939Pro)

Gene: TERT (telomerase reverse transcriptase; minus strand). Cytogenetic location: 5p15.33.
Variant type: single nucleotide variant.
Coding change: c.2815A>C on transcript NM_198253.3 (MANE Select); coding-DNA position 2815, A replaced by C.
Protein change: p.Thr939Pro; replaces threonine 939 with proline.
Molecular consequence: missense variant. On other transcripts: intron variant (1).
Genome position (GRCh38, 1-based): chr5:1,264,432, T>G on the plus strand (A>C on the coding strand, the complement: TERT is on the minus strand). VCF-style: chr5-1264432-T-G. GRCh37 (hg19) VCF-style: chr5-1264547-T-G.
Other names: c.2815A>C, p.Thr939Pro (NM_003219.1); c.2654+2032A>C (NM_001193376.3); short protein forms T939P.
Identifiers: ClinVar variation 2953590 (VCV002953590.3), dbSNP rs2478152660, ClinGen allele CA359071526.

ClinVar aggregate classification (germline): Uncertain significance (1 of 4 stars; one submission).

Conditions:
Dyskeratosis congenita, autosomal dominant 2. Identifiers: MedGen C3151443, MONDO:0013521, OMIM 613989.
Idiopathic Pulmonary Fibrosis. Also called: Idiopathic fibrosing alveolitis, chronic form; idiopathic fibrosing alveolitis. Identifiers: Orphanet 2032, MedGen C1800706, MeSH D054990, MONDO:0800504.

Submission:

Labcorp Genetics (formerly Invitae), Labcorp
Classification: Uncertain significance for Dyskeratosis congenita, autosomal dominant 2; Idiopathic Pulmonary Fibrosis. Last evaluated: 2023-11-05. Review status: criteria provided, single submitter. Criteria: Invitae Variant Classification Sherloc (09022015). Collection method: clinical testing. Allele origin: germline.
Comment: This sequence change replaces threonine, which is neutral and polar, with proline, which is neutral and non-polar, at codon 939 of the TERT protein (p.Thr939Pro). This variant is not present in population databases (gnomAD no frequency). This variant has not been reported in the literature in individuals affected with TERT-related conditions. Advanced modeling of protein sequence and biophysical properties (such as structural, functional, and spatial information, amino acid conservation, physicochemical variation, residue mobility, and thermodynamic stability) performed at Invitae indicates that this missense variant is expected to disrupt TERT protein function with a positive predictive value of 80%. In summary, the available evidence is currently insufficient to determine the role of this variant in disease. Therefore, it has been classified as a Variant of Uncertain Significance.